The following is an entry in ClinVar:

NM_000090.4(COL3A1):c.3479T>C (p.Ile1160Thr)

Gene: COL3A1 (collagen type III alpha 1 chain; plus strand). Cytogenetic location: 2q32.2.
Variant type: single nucleotide variant.
Coding change: c.3479T>C on transcript NM_000090.4 (MANE Select); coding-DNA position 3479, T replaced by C.
Protein change: p.Ile1160Thr; replaces isoleucine 1160 with threonine.
Molecular consequence: missense variant.
Genome position (GRCh38, 1-based): chr2:189,008,096, T>C. VCF-style: chr2-189008096-T-C. GRCh37 (hg19) VCF-style: chr2-189872822-T-C.
Other names: short protein forms I1160T.
Identifiers: ClinVar variation 4527671 (VCV004527671.1).

ClinVar aggregate classification (germline): Uncertain significance (1 of 4 stars; one submission).

Submission:

GeneDx
Classification: Uncertain significance. Last evaluated: 2025-04-29. Review status: criteria provided, single submitter. Criteria: GeneDx Variant Classification Process June 2021. Collection method: clinical testing. Allele origin: germline. Affected: yes.
Comment: Not observed at significant frequency in large population cohorts (gnomAD); In silico analysis supports that this missense variant has a deleterious effect on protein structure/function; Has not been previously published as pathogenic or benign to our knowledge; Occurs in the triple helical domain at the Y position in the canonical Gly-X-Y repeat; although this variant may have an effect on normal protein folding and function, missense substitution at the Y position is not a common mechanism of disease (HGMD)